The following is an entry in ClinVar:

ClinVar aggregate classification (germline): Uncertain significance. Review status: criteria provided, multiple submitters, no conflicts (2 of 4 stars). 2 submissions from 2 submitters: Uncertain significance (2). Last evaluated 2022-02-21.

Conditions:
Complement component 7 deficiency (C7D). Also called: C7 DEFICIENCY. Identifiers: MedGen C1864694, MONDO:0012412, OMIM 610102.

Allele frequency attached by ClinVar (database versions not stated): gnomAD exomes below 0.00001; gnomAD 0.00001; TOPMed 0.00002; ExAC 0.00003; ESP Exome Variant Server 0.00008.
gnomAD v4.1: 4 of 1,607,296 alleles (0.00025%); highest among the groups gnomAD compares: Admixed American, 0.0034%; no homozygotes.

Submissions (2):

Labcorp Genetics (formerly Invitae), Labcorp
Classification: Uncertain significance. Last evaluated: 2022-02-21. Review status: criteria provided, single submitter. Criteria: Invitae Variant Classification Sherloc (09022015). Collection method: clinical testing. Allele origin: germline.
Comment: This sequence change replaces glutamine, which is neutral and polar, with lysine, which is basic and polar, at codon 709 of the C7 protein (p.Gln709Lys). The frequency data for this variant in the population databases is considered unreliable, as metrics indicate poor data quality at this position in the gnomAD database. This variant has not been reported in the literature in individuals affected with C7-related conditions. Algorithms developed to predict the effect of missense changes on protein structure and function output the following: SIFT: "Tolerated"; PolyPhen-2: "Benign"; Align-GVGD: "Class C0". The lysine amino acid residue is found in multiple mammalian species, which suggests that this missense change does not adversely affect protein function. In summary, the available evidence is currently insufficient to determine the role of this variant in disease. Therefore, it has been classified as a Variant of Uncertain Significance.

Center for Genomics, Ann and Robert H. Lurie Children's Hospital of Chicago
Classification: Uncertain significance for Complement component 7 deficiency. Last evaluated: 2021-03-30. Review status: criteria provided, single submitter. Criteria: ACMG Guidelines, 2015. Collection method: clinical testing. Allele origin: germline.
Comment: C7 NM_000587.3 exon 16 p.Gln709Lys (c.2125C>A): This variant has not been reported in the literature but is present in 0.008% (2/23470) of African alleles in the Genome Aggregation Database. This variant amino acid Lysine (Lys) is present in 8 species; this suggests that this variant may not impact the protein. Additional computational prediction tools do not suggest an impact. In summary, data on this variant is insufficient for disease classification. Therefore, the clinical significance of this variant is uncertain.

NM_000587.4(C7):c.2125C>A (p.Gln709Lys)

Gene: C7 (complement C7; plus strand). Cytogenetic location: 5p13.1.
Variant type: single nucleotide variant.
Coding change: c.2125C>A on transcript NM_000587.4 (MANE Select); coding-DNA position 2125, C replaced by A.
Protein change: p.Gln709Lys; replaces glutamine 709 with lysine.
Molecular consequence: missense variant.
Genome position (GRCh38, 1-based): chr5:40,976,800, C>A. VCF-style: chr5-40976800-C-A. GRCh37 (hg19) VCF-style: chr5-40976902-C-A.
Other names: short protein forms Q709K.
Identifiers: ClinVar variation 1990394 (VCV001990394.2), dbSNP rs375449752, ClinGen allele CA3250204.